The following is an entry in ClinVar:

ClinVar aggregate classification (germline): Uncertain significance. Review status: criteria provided, multiple submitters, no conflicts (2 of 4 stars). 2 submissions from 2 submitters: Uncertain significance (2). Last evaluated 2024-01-03.

Allele frequency attached by ClinVar (database versions not stated): TOPMed 0.00001.
gnomAD v4.1: 7 of 1,600,034 alleles (0.00044%); highest among the groups gnomAD compares: East Asian, 0.0045%; no homozygotes.

Submissions (2):

Women's Health and Genetics/Laboratory Corporation of America, LabCorp
Classification: Uncertain significance. Last evaluated: 2024-01-03. Review status: criteria provided, single submitter. Criteria: LabCorp Variant Classification Summary - May 2015. Collection method: clinical testing. Allele origin: germline.
Comment: Variant summary: STUB1 c.535G>A (p.Glu179Lys) results in a conservative amino acid change located in the CHIP, N-terminal tetratricopeptide repeat domain (IPR041312) of the encoded protein sequence. Four of five in-silico tools predict a benign effect of the variant on protein function. The variant allele was found at a frequency of 4.1e-06 in 244806 control chromosomes (gnomAD). The available data on variant occurrences in the general population are insufficient to allow any conclusion about variant significance. To our knowledge, no occurrence of c.535G>A in individuals affected with Autosomal Recessive Spinocerebellar Ataxia 16 and no experimental evidence demonstrating its impact on protein function have been reported. One submitter has cited a clinical-significance assessment for this variant to ClinVar after 2014 and has classified the variant as uncertain significance. Based on the evidence outlined above, the variant was classified as uncertain significance.

GeneDx
Classification: Uncertain significance. Last evaluated: 2022-05-09. Review status: criteria provided, single submitter. Criteria: GeneDx Variant Classification Process June 2021. Collection method: clinical testing. Allele origin: germline. Affected: yes.
Comment: Not observed at significant frequency in large population cohorts (gnomAD); In silico analysis supports that this missense variant does not alter protein structure/function; Has not been previously published as pathogenic or benign to our knowledge

NM_005861.4(STUB1):c.535G>A (p.Glu179Lys)

Genes: JMJD8 (jumonji domain containing 8; minus strand), STUB1 (STIP1 homology and U-box containing protein 1; plus strand). Cytogenetic location: 16p13.3.
Variant type: single nucleotide variant.
Coding change: c.535G>A on transcript NM_005861.4 (MANE Select); coding-DNA position 535, G replaced by A.
Protein change: p.Glu179Lys; replaces glutamic acid 179 with lysine.
Molecular consequence: missense variant. On other transcripts: 3 prime UTR variant (5), non-coding transcript variant (3).
Genome position (GRCh38, 1-based): chr16:681,803, G>A. VCF-style: chr16-681803-G-A. GRCh37 (hg19) VCF-style: chr16-731803-G-A.
Other names: c.319G>A, p.Glu107Lys (NM_001293197.2); c.*991C>T (NM_001005920.4, NM_001323919.3, NM_001323920.3); c.*1025C>T (NM_001323918.3, NM_001323922.3); short protein forms E107K, E179K.
Identifiers: ClinVar variation 1723795 (VCV001723795.3), dbSNP rs764534080, ClinGen allele CA394112831.